The following continues an entry in ClinVar:

NM_001130987.2(DYSF):c.1717C>T (p.Arg573Trp)

Gene: DYSF. ClinVar aggregate classification (germline): Pathogenic. Pathogenic (1).

Submissions 10 to 14 of 14:

Athena Diagnostics
Classification: Pathogenic. Last evaluated: 2020-11-18. Review status: criteria provided, single submitter. Criteria: Athena Diagnostics criteria. Collection method: clinical testing. Allele origin: unknown. Not counted in ClinVar's aggregate classification.
Comment: The frequency of this variant in the general population is consistent with pathogenicity. This variant appears to segregate with disease in at least one family, however, the available information does not rule out segregation due to chance. In multiple individuals, this variant has been seen with a single recessive pathogenic variant in the same gene, suggesting this variant may also be pathogenic. Computational tools predict that this variant is damaging.

Eurofins Ntd Llc (ga)
Classification: Pathogenic. Last evaluated: 2017-03-05. Review status: criteria provided, single submitter. Criteria: EGL Classification Definitions. Collection method: clinical testing. Allele origin: germline. Observed: 6 variant alleles, 3 heterozygotes, 3 homozygotes. Not counted in ClinVar's aggregate classification.

CeGaT Center for Human Genetics Tuebingen
Classification: Pathogenic. Last evaluated: 2016-11-01. Review status: criteria provided, single submitter. Criteria: CeGaT Center For Human Genetics Tuebingen Variant Classification Criteria Version 2. Collection method: clinical testing. Allele origin: germline. Affected: yes. Observed: 1 variant allele. Not counted in ClinVar's aggregate classification.

Illumina Laboratory Services, Illumina
Classification: Pathogenic for DYSF-Related Disorders. Last evaluated: 2016-06-14. Review status: criteria provided, single submitter. Criteria: ICSL Variant Classification 20161018. Collection method: clinical testing. Allele origin: germline. Not counted in ClinVar's aggregate classification.
Comment: The c.1663C>T (p.Arg555Trp) variant has been reported in at least six studies in a total of 10 patients with DYSF-related disorders, including three in a homozygous state and seven in a compound heterozygous state. The p.Arg555Trp variant was absent from 90 controls but is reported at a frequency of 0.00004 in the Total population of the Exome Aggregation Consortium. Functional studies using a myoblast cell line derived from a patient carrying the p.Arg555Trp variant and a second DYSF variant showed that the variant protein was degraded by proteasomes. Treatment with protease inhibitors rescued dysferlin expression and function. Based on the evidence, the p.Arg555Trp variant is classified as pathogenic for DYSF-related disorders.

Counsyl
Classification: Likely pathogenic for Autosomal recessive limb-girdle muscular dystrophy type 2B. Last evaluated: 2017-07-17. Review status: no assertion criteria provided. Collection method: clinical testing. Allele origin: unknown. Not counted in ClinVar's aggregate classification.

Literature cited by the submitters: PubMed 35028538 (cited by ClinGen Limb Girdle Muscular Dystrophy Variant Curation Expert Panel, ClinGen); PubMed 18853459 (cited by 4 submitters); PubMed 21522182 (cited by Natera, Inc. and Counsyl); PubMed 31066050 (cited by Natera, Inc.); PubMed 17698709 (cited by Labcorp Genetics (formerly Invitae), Labcorp and Athena Diagnostics); PubMed 25591676 (cited by 3 submitters); PubMed 27066573 (cited by Labcorp Genetics (formerly Invitae), Labcorp); PubMed 22174839 (cited by Labcorp Genetics (formerly Invitae), Labcorp and Athena Diagnostics); PubMed 22318734 (cited by 3 submitters); PubMed 25312915 (cited by Athena Diagnostics and Counsyl); PubMed 16010686 (cited by Athena Diagnostics and Illumina Laboratory Services, Illumina); PubMed 19015158 (cited by Athena Diagnostics and Illumina Laboratory Services, Illumina); PubMed 25143362 (cited by Athena Diagnostics and Illumina Laboratory Services, Illumina); PubMed 19493611 (cited by Athena Diagnostics); PubMed 24488599 (cited by Athena Diagnostics); PubMed 25591678 (cited by Counsyl); PubMed 23519732 (cited by Counsyl).